The following is an entry in ClinVar:

ClinVar aggregate classification (germline): Uncertain significance. Review status: criteria provided, multiple submitters, no conflicts (2 of 4 stars). 3 submissions from 3 submitters: Uncertain significance (3). Last evaluated 2025-10-14.

Conditions:
Hereditary breast ovarian cancer syndrome. Also called: Hereditary breast and ovarian cancer syndrome (HBOC); Hereditary breast and ovarian cancer syndrome; Hereditary breast and ovarian cancer; Breast and ovarian cancer; BRCA1- and BRCA2-Associated Hereditary Breast and Ovarian Cancer; Hereditary breast and/or ovarian cancer syndrome. Identifiers: Orphanet 145, MedGen C0677776, MeSH D061325, MONDO:0003582. Disease mechanism: loss of function.
EP300-related disorder. Also called: EP300-related condition; EP300-related disorders.

Allele frequency attached by ClinVar (database versions not stated): gnomAD exomes below 0.00001 and 0.00001; gnomAD 0.00001; TOPMed 0.00001; ExAC 0.00002.
gnomAD v4.1: 15 of 1,614,038 alleles (0.00093%); highest among the groups gnomAD compares: African/African-American, 0.0013%; no homozygotes.

Submissions (3):

PreventionGenetics, part of Exact Sciences
Classification: Uncertain significance for EP300-related condition. Last evaluated: 2025-10-14. Review status: criteria provided, single submitter. Criteria: ACMG Guidelines, 2015. Collection method: clinical testing. Allele origin: germline.
Comment: The EP300 c.4532A>G variant is predicted to result in the amino acid substitution p.Asn1511Ser. To our knowledge, this variant has not been reported in the literature. This variant is reported in 0.00088% of alleles in individuals of European (Non-Finnish) descent in gnomAD. At this time, the clinical significance of this variant is uncertain due to the absence of conclusive functional and genetic evidence.

CeGaT Center for Human Genetics Tuebingen
Classification: Uncertain significance. Last evaluated: 2023-05-01. Review status: criteria provided, single submitter. Criteria: CeGaT Center For Human Genetics Tuebingen Variant Classification Criteria Version 2. Collection method: clinical testing. Allele origin: germline. Affected: yes. Observed: 1 variant allele.
Comment: EP300: PM2

Molecular Oncology Research Center, Barretos Cancer Hospital
Classification: Uncertain significance for Hereditary breast ovarian cancer syndrome. Last evaluated: 2020-08-01. Review status: criteria provided, single submitter. Criteria: ACMG Guidelines, 2015. Collection method: research. Allele origin: germline. Affected: yes. Observed: 1 variant allele.

NM_001429.4(EP300):c.4532A>G (p.Asn1511Ser)

Gene: EP300 (EP300 lysine acetyltransferase; plus strand). Cytogenetic location: 22q13.2.
Variant type: single nucleotide variant.
Coding change: c.4532A>G on transcript NM_001429.4 (MANE Select); coding-DNA position 4532, A replaced by G.
Protein change: p.Asn1511Ser; replaces asparagine 1511 with serine.
Molecular consequence: missense variant.
Genome position (GRCh38, 1-based): chr22:41,172,578, A>G. VCF-style: chr22-41172578-A-G. GRCh37 (hg19) VCF-style: chr22-41568582-A-G.
Other names: c.4454A>G, p.Asn1485Ser (NM_001362843.2); short protein forms N1485S, N1511S.
Identifiers: ClinVar variation 981845 (VCV000981845.29), dbSNP rs763860567, ClinGen allele CA10253455.